The following is an entry in ClinVar:

ClinVar aggregate classification (germline): Uncertain significance (1 of 4 stars; one submission).

Conditions:
Charcot-Marie-Tooth disease type 4. Also called: Charcot-Marie-Tooth disease, type IV; Charcot-Marie-Tooth, Type 4. Identifiers: Orphanet 64749, MedGen C4082197, MONDO:0018995.

Allele frequency attached by ClinVar (database versions not stated): gnomAD exomes below 0.00001; ExAC 0.00001.
gnomAD v4.1: 1 of 1,613,676 alleles (0.000062%); highest among the groups gnomAD compares: Non-Finnish European, 0.000085%; no homozygotes.

Submission:

Labcorp Genetics (formerly Invitae), Labcorp
Classification: Uncertain significance for Charcot-Marie-Tooth disease type 4. Last evaluated: 2019-02-22. Review status: criteria provided, single submitter. Criteria: Invitae Variant Classification Sherloc (09022015). Collection method: clinical testing. Allele origin: germline.
Comment: This sequence change replaces glutamic acid with glycine at codon 1088 of the PRX protein (p.Glu1088Gly). The glutamic acid residue is moderately conserved and there is a moderate physicochemical difference between glutamic acid and glycine. In summary, the available evidence is currently insufficient to determine the role of this variant in disease. Therefore, it has been classified as a Variant of Uncertain Significance. Algorithms developed to predict the effect of missense changes on protein structure and function output the following: SIFT: "Tolerated"; PolyPhen-2: "Possibly Damaging"; Align-GVGD: "Class C0". The glycine amino acid residue is found in multiple mammalian species, suggesting that this missense change does not adversely affect protein function. These predictions have not been confirmed by published functional studies and their clinical significance is uncertain. This variant has not been reported in the literature in individuals with PRX-related conditions. This variant is present in population databases (rs758071572, ExAC 0.002%).

NM_181882.3(PRX):c.3263A>G (p.Glu1088Gly)

Gene: PRX (periaxin; minus strand). Cytogenetic location: 19q13.2.
Variant type: single nucleotide variant.
Coding change: c.3263A>G on transcript NM_181882.3 (MANE Select); coding-DNA position 3263, A replaced by G.
Protein change: p.Glu1088Gly; replaces glutamic acid 1088 with glycine.
Molecular consequence: missense variant. On other transcripts: 3 prime UTR variant (1).
Genome position (GRCh38, 1-based): chr19:40,395,089, T>C on the plus strand (A>G on the coding strand, the complement: PRX is on the minus strand). VCF-style: chr19-40395089-T-C. GRCh37 (hg19) VCF-style: chr19-40900996-T-C.
Other names: c.*3468A>G (NM_020956.2); short protein forms E1088G.
Identifiers: ClinVar variation 847228 (VCV000847228.9), dbSNP rs758071572, ClinGen allele CA9443894.